The following is an entry in ClinVar:

NM_014334.4(FRRS1L):c.-3_-2delinsGC

Gene: FRRS1L (ferric chelate reductase 1 like; minus strand). Cytogenetic location: 9q31.3.
Variant type: Indel.
Coding change: c.-3_-2delinsGC on transcript NM_014334.4 (MANE Select); 3 bases upstream of the start codon through 2 bases upstream of the start codon, CG replaced by GC.
Molecular consequence: 5 prime UTR variant.
Genome position (GRCh38, 1-based): chr9:109,167,140-109,167,141, CG replaced by GC on the plus strand (CG replaced by GC on the coding strand, the reverse complement: FRRS1L is on the minus strand). VCF-style: chr9-109167140-CG-GC. GRCh37 (hg19) VCF-style: chr9-111929420-CG-GC.
Other names: c.151_152delinsGC (NM_014334.2); c.-3_-2delCGinsGC (NM_014334.4); short protein forms R51A.
Identifiers: ClinVar variation 476298 (VCV000476298.18), dbSNP rs1554736515, ClinGen allele CA658657896.

ClinVar aggregate classification (germline): Benign. Review status: criteria provided, multiple submitters, no conflicts (2 of 4 stars). 4 submissions from 4 submitters: Benign (3). 1 of the submissions does not count toward it. Last evaluated 2026-02-04.

Conditions:
FRRS1L-related disorder. Also called: FRRS1L-related condition.
Developmental and epileptic encephalopathy, 37 (DEE37). Also called: Epileptic encephalopathy, early infantile, 37. Identifiers: MedGen C4310770, MONDO:0014859, OMIM 616981.

Submissions (4):

Labcorp Genetics (formerly Invitae), Labcorp
Classification: Benign for Developmental and epileptic encephalopathy, 37. Last evaluated: 2026-02-04. Review status: criteria provided, single submitter. Criteria: Invitae Variant Classification Sherloc (09022015). Collection method: clinical testing. Allele origin: germline.

GeneDx
Classification: Benign. Last evaluated: 2018-09-24. Review status: criteria provided, single submitter. Criteria: GeneDx Variant Classification Process June 2021. Collection method: clinical testing. Allele origin: germline. Affected: yes.

Pathology and Clinical Laboratory Medicine, King Fahad Medical City
Classification: Benign for Developmental and epileptic encephalopathy, 37. Review status: criteria provided, single submitter. Criteria: ACMG Guidelines, 2015. Collection method: clinical testing. Allele origin: germline. Affected: no. Observed: 117 variant alleles.

PreventionGenetics, part of Exact Sciences
Classification: Benign for FRRS1L-related condition. Last evaluated: 2021-10-01. Review status: no assertion criteria provided. Collection method: clinical testing. Allele origin: germline. Not counted in ClinVar's aggregate classification.
Comment: This variant is classified as benign based on ACMG/AMP sequence variant interpretation guidelines (Richards et al. 2015 PMID: 25741868, with internal and published modifications).